The following is an entry in ClinVar:

ClinVar aggregate classification (germline): Uncertain significance (1 of 4 stars; one submission).

Submission:

GeneDx
Classification: Uncertain significance. Last evaluated: 2024-12-08. Review status: criteria provided, single submitter. Criteria: GeneDx Variant Classification Process June 2021. Collection method: clinical testing. Allele origin: germline. Affected: yes.
Comment: Not observed at significant frequency in large population cohorts (gnomAD); In silico analysis supports that this missense variant has a deleterious effect on protein structure/function; Has not been previously published as pathogenic or benign to our knowledge

NM_014727.3(KMT2B):c.6111C>A (p.Phe2037Leu)

Gene: KMT2B (lysine methyltransferase 2B; plus strand). Cytogenetic location: 19q13.12.
Variant type: single nucleotide variant.
Coding change: c.6111C>A on transcript NM_014727.3 (MANE Select); coding-DNA position 6111, C replaced by A.
Protein change: p.Phe2037Leu; replaces phenylalanine 2037 with leucine.
Molecular consequence: missense variant.
Genome position (GRCh38, 1-based): chr19:35,732,660, C>A. VCF-style: chr19-35732660-C-A. GRCh37 (hg19) VCF-style: chr19-36223561-C-A.
Other names: short protein forms F2037L.
Identifiers: ClinVar variation 1809973 (VCV001809973.2), dbSNP rs751449665, ClinGen allele CA405425711.
Genomic context (GRCh38, chr19:35,732,660, plus strand): 5'-CGGGGGCCCGGGGGACAGCTCCGAGGAGGAGTCCAGCCCCACCTCCCGCTACATCCACTT[C>A]CCTGTGACTGTGGTGTCCGCCCCTGGTCTGGCCCCCAGCGCTACCCCTGGAGCCCCCCGC-3'
Protein context (NP_055542.1, residues 2027-2047): ESSPTSRYIH[Phe2037Leu]PVTVVSAPGL